The following is an entry in ClinVar:

NM_000088.4(COL1A1):c.1002+3G>T

Gene: COL1A1 (collagen type I alpha 1 chain; minus strand). Cytogenetic location: 17q21.33.
Variant type: single nucleotide variant.
Coding change: c.1002+3G>T on transcript NM_000088.4 (MANE Select); 3 bases into the intron after coding-DNA position 1002, G replaced by T.
Molecular consequence: intron variant.
Genome position (GRCh38, 1-based): chr17:50,196,152, C>A on the plus strand (G>T on the coding strand, the complement: COL1A1 is on the minus strand). VCF-style: chr17-50196152-C-A. GRCh37 (hg19) VCF-style: chr17-48273513-C-A.
Other names: NC_000017.10:g.48273513C>A.
Identifiers: ClinVar variation 1217750 (VCV001217750.4), dbSNP rs2144579715, ClinGen allele CA2499224738.

ClinVar aggregate classification (germline): Likely pathogenic (1 of 4 stars; one submission).

Submissions (3):

GeneDx
Classification: Likely pathogenic. Last evaluated: 2019-06-24. Review status: criteria provided, single submitter. Criteria: GeneDx Variant Classification Process June 2021. Collection method: clinical testing. Allele origin: germline. Affected: yes.
Comment: Not observed in large population cohorts (Lek et al., 2016); In silico analysis, which includes splice predictors and evolutionary conservation, supports a deleterious effect; Has not been previously published as pathogenic or benign to our knowledge

Dr. Peter K. Rogan Lab, Western University
No classification provided (evidence only). Condition: Ovarian serous cystadenocarcinoma. Review status: no classification provided. Collection method: in vitro. Allele origin: not applicable. Functional consequence: retained intron. Not counted in ClinVar's aggregate classification.

Dr. Peter K. Rogan Lab, Western University
No classification provided (evidence only). Condition: Ovarian serous cystadenocarcinoma. Review status: no classification provided. Collection method: in vitro. Allele origin: not applicable. Functional consequence: retained intron. Not counted in ClinVar's aggregate classification.